The following is an entry in ClinVar:

ClinVar aggregate classification (germline): Pathogenic. Review status: criteria provided, single submitter (1 of 4 stars). 2 submissions from 2 submitters: Pathogenic (1). 1 of the submissions does not count toward it. Last evaluated 2021-09-25.

Conditions:
Conspicuously happy disposition. Identifiers: MedGen C4021029, HP:0100024.

Submissions (2):

Labcorp Genetics (formerly Invitae), Labcorp
Classification: Pathogenic. Last evaluated: 2021-09-25. Review status: criteria provided, single submitter. Criteria: Invitae Variant Classification Sherloc (09022015). Collection method: clinical testing. Allele origin: germline.
Comment: For these reasons, this variant has been classified as Pathogenic. Algorithms developed to predict the effect of sequence changes on RNA splicing suggest that this variant may create or strengthen a splice site. This premature translational stop signal has been observed in individual(s) with CTNNB1-related conditions (PMID: 32989326). This variant is not present in population databases (ExAC no frequency). This sequence change creates a premature translational stop signal (p.Glu54*) in the CTNNB1 gene. It is expected to result in an absent or disrupted protein product. Loss-of-function variants in CTNNB1 are known to be pathogenic (PMID: 23033978, 24614104, 25326669, 26350204, 28575650).

Yale Center for Mendelian Genomics, Yale University
Classification: Uncertain significance for Conspicuously happy disposition. Last evaluated: 2020-09-28. Review status: no assertion criteria provided. Collection method: literature only. Allele origin: de novo. Affected: yes. Observed: 1 heterozygote. Study: Yale Center for Mendelian Genomics. Not counted in ClinVar's aggregate classification.

Literature cited by the submitters: PubMed 32989326 (cited by Labcorp Genetics (formerly Invitae), Labcorp and Yale Center for Mendelian Genomics, Yale University); PubMed 23033978 (cited by Labcorp Genetics (formerly Invitae), Labcorp); PubMed 24614104 (cited by Labcorp Genetics (formerly Invitae), Labcorp); PubMed 25326669 (cited by Labcorp Genetics (formerly Invitae), Labcorp); PubMed 26350204 (cited by Labcorp Genetics (formerly Invitae), Labcorp); PubMed 28575650 (cited by Labcorp Genetics (formerly Invitae), Labcorp).

NM_001904.4(CTNNB1):c.160G>T (p.Glu54Ter)

Genes: CTNNB1 (catenin beta 1; plus strand), LOC126806658 (BRD4-independent group 4 enhancer GRCh37_chr3:41265899-41267098; plus strand). Cytogenetic location: 3p22.1.
Variant type: single nucleotide variant.
Coding change: c.160G>T on transcript NM_001904.4 (MANE Select); coding-DNA position 160, G replaced by T.
Protein change: p.Glu54Ter; replaces glutamic acid 54 with a stop codon.
Molecular consequence: nonsense.
Genome position (GRCh38, 1-based): chr3:41,224,672, G>T. VCF-style: chr3-41224672-G-T. GRCh37 (hg19) VCF-style: chr3-41266163-G-T.
Other names: c.160G>T, p.Glu54Ter (NM_001098209.2, NM_001098210.2); c.139G>T, p.Glu47Ter (NM_001330729.2); short protein forms E47*, E54*.
Identifiers: ClinVar variation 1344804 (VCV001344804.6), dbSNP rs2078133150, ClinGen allele CA352228610.